The following is an entry in ClinVar:

NM_004006.3(DMD):c.9621T>C (p.Cys3207=)

Gene: DMD (dystrophin; minus strand). Cytogenetic location: Xp21.2.
Variant type: single nucleotide variant.
Coding change: c.9621T>C on transcript NM_004006.3 (MANE Select); coding-DNA position 9621, T replaced by C.
Protein change: p.Cys3207=; no amino-acid change (cysteine 3207 retained).
Molecular consequence: synonymous variant.
Genome position (GRCh38, 1-based): chrX:31,206,610, A>G on the plus strand (T>C on the coding strand, the complement: DMD is on the minus strand). VCF-style: chrX-31206610-A-G. GRCh37 (hg19) VCF-style: chrX-31224727-A-G.
Other names: c.9597T>C, p.Cys3199= (NM_000109.4); c.9609T>C, p.Cys3203= (NM_004009.3); c.9252T>C, p.Cys3084= (NM_004010.3); c.5598T>C, p.Cys1866= (NM_004011.4); c.5589T>C, p.Cys1863= (NM_004012.4); c.2241T>C, p.Cys747= (NM_004013.3, NM_004020.4, NM_004021.3 and 2 more transcripts); c.1434T>C, p.Cys478= (NM_004014.3); c.417T>C, p.Cys139= (NM_004015.3, NM_004016.3, NM_004017.3 and 2 more transcripts).
Identifiers: ClinVar variation 391330 (VCV000391330.6), dbSNP rs1057524037, ClinGen allele CA16608424.

ClinVar aggregate classification (germline): Likely benign. Review status: criteria provided, multiple submitters, no conflicts (2 of 4 stars). 3 submissions from 3 submitters: Likely benign (3). Last evaluated 2025-08-06.

Conditions:
Cardiovascular phenotype. Identifiers: MedGen CN230736.
Duchenne muscular dystrophy (DMD). Also called: MUSCULAR DYSTROPHY, PSEUDOHYPERTROPHIC PROGRESSIVE, DUCHENNE TYPE; Duchenne Muscular Dystrophy (DMD). Identifiers: Orphanet 98896, MedGen C0013264, MONDO:0010679, OMIM 310200.

Allele frequency attached by ClinVar (database versions not stated): gnomAD exomes below 0.00001 and 0.00001; gnomAD 0.00001; TOPMed 0.00002.
gnomAD v4.1: 6 of 1,209,245 alleles (0.0005%); highest among the groups gnomAD compares: Middle Eastern, 0.046%; no homozygotes.

Submissions (3):

Labcorp Genetics (formerly Invitae), Labcorp
Classification: Likely benign for Duchenne muscular dystrophy. Last evaluated: 2025-08-06. Review status: criteria provided, single submitter. Criteria: Invitae Variant Classification Sherloc (09022015). Collection method: clinical testing. Allele origin: germline.

Ambry Genetics
Classification: Likely benign for Cardiovascular phenotype. Last evaluated: 2023-01-19. Review status: criteria provided, single submitter. Criteria: Ambry Variant Classification Scheme 2023. Collection method: clinical testing. Allele origin: germline.

GeneDx
Classification: Likely benign. Last evaluated: 2016-11-30. Review status: criteria provided, single submitter. Criteria: GeneDx Variant Classification (06012015). Collection method: clinical testing. Allele origin: germline. Affected: yes.
Comment: This variant is considered likely benign or benign based on one or more of the following criteria: it is a conservative change, it occurs at a poorly conserved position in the protein, it is predicted to be benign by multiple in silico algorithms, and/or has population frequency not consistent with disease.